The following is an entry in ClinVar:

NM_001172509.2(SATB2):c.889C>T (p.Leu297Phe)

Gene: SATB2 (SATB homeobox 2; minus strand). Cytogenetic location: 2q33.1.
Variant type: single nucleotide variant.
Coding change: c.889C>T on transcript NM_001172509.2 (MANE Select); coding-DNA position 889, C replaced by T.
Protein change: p.Leu297Phe; replaces leucine 297 with phenylalanine.
Molecular consequence: missense variant.
Genome position (GRCh38, 1-based): chr2:199,348,985, G>A on the plus strand (C>T on the coding strand, the complement: SATB2 is on the minus strand). VCF-style: chr2-199348985-G-A. GRCh37 (hg19) VCF-style: chr2-200213708-G-A.
Other names: c.889C>T, p.Leu297Phe (NM_001172517.1, NM_015265.4); short protein forms L297F.
Identifiers: ClinVar variation 1381775 (VCV001381775.6), dbSNP rs759677622, ClinGen allele CA2045988.

ClinVar aggregate classification (germline): Uncertain significance (1 of 4 stars; one submission).

Conditions:
Chromosome 2q32-q33 deletion syndrome (GLASS). Also called: Glass syndrome; 2q33.1 deletion syndrome. Identifiers: Orphanet 251019, MedGen C2676739, MONDO:0012864, OMIM 612313.

Allele frequency attached by ClinVar (database versions not stated): ExAC 0.00001.

Submission:

Labcorp Genetics (formerly Invitae), Labcorp
Classification: Uncertain significance for Chromosome 2q32-q33 deletion syndrome. Last evaluated: 2022-06-27. Review status: criteria provided, single submitter. Criteria: Invitae Variant Classification Sherloc (09022015). Collection method: clinical testing. Allele origin: germline.
Comment: This sequence change replaces leucine, which is neutral and non-polar, with phenylalanine, which is neutral and non-polar, at codon 297 of the SATB2 protein (p.Leu297Phe). In summary, the available evidence is currently insufficient to determine the role of this variant in disease. Therefore, it has been classified as a Variant of Uncertain Significance. Algorithms developed to predict the effect of missense changes on protein structure and function are either unavailable or do not agree on the potential impact of this missense change (SIFT: "Tolerated"; PolyPhen-2: "Probably Damaging"; Align-GVGD: "Class C0"). This variant has not been reported in the literature in individuals affected with SATB2-related conditions. This variant is not present in population databases (gnomAD no frequency).